The following is an entry in ClinVar:

ClinVar aggregate classification (germline): Likely pathogenic (1 of 4 stars; one submission).

Conditions:
GNPTG-mucolipidosis. Also called: ML III GAMMA; ML IIIC; MUCOLIPIDOSIS III, COMPLEMENTATION GROUP C; MUCOLIPIDOSIS III, IRANIAN VARIANT FORM; MUCOLIPIDOSIS III, VARIANT FORM; Mucolipidosis type III gamma. Identifiers: Orphanet 423470, Orphanet 577, MedGen C1854896, MONDO:0009652, OMIM 252605.

Submission:

Natera, Inc.
Classification: Likely pathogenic for Mucolipidosis III gamma. Last evaluated: 2025-03-07. Review status: criteria provided, single submitter. Criteria: Natera Variant Classification Schema (03/2026). Collection method: clinical testing. Allele origin: germline.
Comment: The c.1A>T variant in GNPTG is predicted to result in start loss due to disruption of the initiator methionine. This variant is expected to result in nonsense mediated decay, truncation, or a dysfunctional protein product. This variant is rare in the general population with a frequency below the threshold expected for the associated phenotype(s). Given the available evidence, this variant is classified as Likely Pathogenic.

NM_032520.5(GNPTG):c.1A>T (p.Met1Leu)

Genes: GNPTG (N-acetylglucosamine-1-phosphate transferase subunit gamma; plus strand), LOC130058158 (ATAC-STARR-seq lymphoblastoid silent region 6972; plus strand). Cytogenetic location: 16p13.3.
Variant type: single nucleotide variant.
Coding change: c.1A>T on transcript NM_032520.5 (MANE Select); coding-DNA position 1, A replaced by T.
Protein change: p.Met1Leu; changes the start codon (methionine 1).
Molecular consequence: missense variant, initiator codon variant.
Genome position (GRCh38, 1-based): chr16:1,351,966, A>T. VCF-style: chr16-1351966-A-T. GRCh37 (hg19) VCF-style: chr16-1401967-A-T.
Other names: short protein forms M1L.
Identifiers: ClinVar variation 4816331 (VCV004816331.1).
Genomic context (GRCh38, chr16:1,351,966, plus strand): 5'-CGGTCCCCGTGGTCACGTGACCGTCACTTCACGTGACCGCGCGGCGGCCGCTGCGGCGCG[A>T]TGGCGGCGGGGCTGGCGCGGCTCCTGTTGCTCCTCGGGCTCTCGGCCGGCGGTGAGTGGC-3'
Protein context (NP_115909.1, residues 1-11): [Met1Leu]AAGLARLLLL